The following is an entry in ClinVar:

ClinVar aggregate classification (germline): Uncertain significance (1 of 4 stars; one submission).

Conditions:
Familial melanoma. Also called: Hereditary melanoma; Hereditary cutaneous melanoma. Identifiers: Orphanet 618, MedGen C1512419, MONDO:0018961.

gnomAD v4.1: 1 of 1,613,184 alleles (0.000062%); highest among the groups gnomAD compares: African/African-American, 0.0013%; no homozygotes.

Submission:

Labcorp Genetics (formerly Invitae), Labcorp
Classification: Uncertain significance for Familial melanoma. Last evaluated: 2025-03-31. Review status: criteria provided, single submitter. Criteria: Invitae Variant Classification Sherloc (09022015). Collection method: clinical testing. Allele origin: germline.
Comment: This sequence change replaces valine, which is neutral and non-polar, with isoleucine, which is neutral and non-polar, at codon 176 of the CDK4 protein (p.Val176Ile). This variant is present in population databases (rs151103937, gnomAD 0.007%). This variant has not been reported in the literature in individuals affected with CDK4-related conditions. Invitae Evidence Modeling of protein sequence and biophysical properties (such as structural, functional, and spatial information, amino acid conservation, physicochemical variation, residue mobility, and thermodynamic stability) indicates that this missense variant is expected to disrupt CDK4 protein function with a positive predictive value of 95%. In summary, the available evidence is currently insufficient to determine the role of this variant in disease. Therefore, it has been classified as a Variant of Uncertain Significance.

NM_000075.4(CDK4):c.526G>A (p.Val176Ile)

Gene: CDK4 (cyclin dependent kinase 4; minus strand). Cytogenetic location: 12q14.1.
Variant type: single nucleotide variant.
Coding change: c.526G>A on transcript NM_000075.4 (MANE Select); coding-DNA position 526, G replaced by A.
Protein change: p.Val176Ile; replaces valine 176 with isoleucine.
Molecular consequence: missense variant.
Genome position (GRCh38, 1-based): chr12:57,750,762, C>T on the plus strand (G>A on the coding strand, the complement: CDK4 is on the minus strand). VCF-style: chr12-57750762-C-T. GRCh37 (hg19) VCF-style: chr12-58144545-C-T.
Other names: short protein forms V176I.
Identifiers: ClinVar variation 4803059 (VCV004803059.1).